The following is an entry in ClinVar:

ClinVar aggregate classification (germline): Uncertain significance (1 of 4 stars; one submission).

Conditions:
Primary ciliary dyskinesia. Also called: Ciliary dyskinesia. Identifiers: Orphanet 244, MedGen C0008780, MONDO:0016575, HP:0012265.

Submission:

Labcorp Genetics (formerly Invitae), Labcorp
Classification: Uncertain significance for Primary ciliary dyskinesia. Last evaluated: 2025-07-02. Review status: criteria provided, single submitter. Criteria: Invitae Variant Classification Sherloc (09022015). Collection method: clinical testing. Allele origin: germline.
Comment: This sequence change replaces isoleucine, which is neutral and non-polar, with asparagine, which is neutral and polar, at codon 780 of the RPGR protein (p.Ile780Asn). This variant is not present in population databases (gnomAD no frequency). This variant has not been reported in the literature in individuals affected with RPGR-related conditions. Invitae Evidence Modeling of protein sequence and biophysical properties (such as structural, functional, and spatial information, amino acid conservation, physicochemical variation, residue mobility, and thermodynamic stability) indicates that this missense variant is not expected to disrupt RPGR protein function with a negative predictive value of 95%. In summary, the available evidence is currently insufficient to determine the role of this variant in disease. Therefore, it has been classified as a Variant of Uncertain Significance.

NC_000023.11:g.38269735A>T

Gene: RPGR (retinitis pigmentosa GTPase regulator; minus strand). Cytogenetic location: Xp11.4.
Variant type: single nucleotide variant.
Molecular consequence: missense variant (on NM_000328.3). On other transcripts: non-coding transcript variant (6).
Genome position: GRCh38 VCF-style: chrX-38269735-A-T. GRCh37 (hg19) VCF-style: chrX-38128988-A-T.
Other names: c.2339T>A, p.Ile780Asn (NM_000328.3); c.2336T>A, p.Ile779Asn (NM_001367245.1); c.2153T>A, p.Ile718Asn (NM_001367246.1); c.2006T>A, p.Ile669Asn (NM_001367247.1); c.2036T>A, p.Ile679Asn (NM_001367248.1); c.2003T>A, p.Ile668Asn (NM_001367249.1, NM_001367250.1); c.1820T>A, p.Ile607Asn (NM_001367251.1); short protein forms I607N, I668N, I669N, I679N, I718N, I779N, I780N.
Identifiers: ClinVar variation 4806216 (VCV004806216.1).